The following is an entry in ClinVar:

ClinVar aggregate classification (germline): Uncertain significance. Review status: criteria provided, multiple submitters, no conflicts (2 of 4 stars). 3 submissions from 3 submitters: Uncertain significance (2). 1 of the submissions does not count toward it. Last evaluated 2021-08-31.

Conditions:
X-linked Alport syndrome (ATS1). Also called: NEPHROPATHY AND DEAFNESS, X-LINKED; COL4A5-Related Nephropathy. Identifiers: Orphanet 63, Orphanet 88917, MedGen C4746986, MONDO:0010520, OMIM 301050.

Allele frequency attached by ClinVar (database versions not stated): gnomAD exomes 0.00001; gnomAD 0.00002 and 0.00003; TOPMed 0.00002.
gnomAD v4.1: 14 of 1,208,505 alleles (0.0012%); highest among the groups gnomAD compares: African/African-American, 0.0018%; no homozygotes.

Submissions (3):

Labcorp Genetics (formerly Invitae), Labcorp
Classification: Uncertain significance. Last evaluated: 2021-08-31. Review status: criteria provided, single submitter. Criteria: Invitae Variant Classification Sherloc (09022015). Collection method: clinical testing. Allele origin: germline.
Comment: This sequence change replaces lysine with threonine at codon 226 of the COL4A5 protein (p.Lys226Thr). The lysine residue is highly conserved and there is a moderate physicochemical difference between lysine and threonine. This variant is not present in population databases (ExAC no frequency). This variant has not been reported in the literature in individuals affected with COL4A5-related conditions. In summary, the available evidence is currently insufficient to determine the role of this variant in disease. Therefore, it has been classified as a Variant of Uncertain Significance.

Fulgent Genetics
Classification: Uncertain significance for X-linked Alport syndrome. Last evaluated: 2021-07-08. Review status: criteria provided, single submitter. Criteria: ACMG Guidelines, 2015. Collection method: clinical testing. Allele origin: unknown.

Natera, Inc.
Classification: Uncertain significance for X-linked Alport syndrome. Last evaluated: 2020-03-11. Review status: no assertion criteria provided. Collection method: clinical testing. Allele origin: germline. Not counted in ClinVar's aggregate classification.

NM_033380.3(COL4A5):c.677A>C (p.Lys226Thr)

Gene: COL4A5 (collagen type IV alpha 5 chain; plus strand). Cytogenetic location: Xq22.3.
Variant type: single nucleotide variant.
Coding change: c.677A>C on transcript NM_033380.3 (MANE Select); coding-DNA position 677, A replaced by C.
Protein change: p.Lys226Thr; replaces lysine 226 with threonine.
Molecular consequence: missense variant.
Genome position (GRCh38, 1-based): chrX:108,578,109, A>C. VCF-style: chrX-108578109-A-C. GRCh37 (hg19) VCF-style: chrX-107821339-A-C.
Other names: c.677A>C, p.Lys226Thr (NM_000495.5); short protein forms K226T.
Identifiers: ClinVar variation 970777 (VCV000970777.5), dbSNP rs991159149, ClinGen allele CA334180231.